The following is an entry in ClinVar:

NM_203447.4(DOCK8):c.250G>A (p.Gly84Arg)

Genes: DOCK8 (dedicator of cytokinesis 8; plus strand), LOC126860552 (BRD4-independent group 4 enhancer GRCh37_chr9:285795-286994; plus strand). Cytogenetic location: 9p24.3.
Variant type: single nucleotide variant.
Coding change: c.250G>A on transcript NM_203447.4 (MANE Select); coding-DNA position 250, G replaced by A.
Protein change: p.Gly84Arg; replaces glycine 84 with arginine.
Molecular consequence: missense variant.
Genome position (GRCh38, 1-based): chr9:286,554, G>A. VCF-style: chr9-286554-G-A. GRCh37 (hg19) VCF-style: chr9-286554-G-A.
Other names: c.46G>A, p.Gly16Arg (NM_001190458.2, NM_001193536.2); c.250G>A (NM_203447.3); short protein forms G16R, G84R.
Identifiers: ClinVar variation 1017371 (VCV001017371.15), dbSNP rs1318020471, ClinGen allele CA372756206.

ClinVar aggregate classification (germline): Uncertain significance. Review status: criteria provided, single submitter (1 of 4 stars). 2 submissions from 2 submitters: Uncertain significance (1). 1 of the submissions does not count toward it. Last evaluated 2024-12-14.

Allele frequency attached by ClinVar (database versions not stated): gnomAD 0.00002; TOPMed 0.00002.
gnomAD v4.1: 17 of 1,613,810 alleles (0.0011%); highest among the groups gnomAD compares: Middle Eastern, 0.066%; no homozygotes.

Submissions (2):

Labcorp Genetics (formerly Invitae), Labcorp
Classification: Uncertain significance for Combined immunodeficiency due to DOCK8 deficiency. Last evaluated: 2024-12-14. Review status: criteria provided, single submitter. Criteria: Invitae Variant Classification Sherloc (09022015). Collection method: clinical testing. Allele origin: germline.
Comment: This sequence change replaces glycine, which is neutral and non-polar, with arginine, which is basic and polar, at codon 84 of the DOCK8 protein (p.Gly84Arg). This variant is present in population databases (no rsID available, gnomAD 0.004%). This variant has not been reported in the literature in individuals affected with DOCK8-related conditions. ClinVar contains an entry for this variant (Variation ID: 1017371). Invitae Evidence Modeling of protein sequence and biophysical properties (such as structural, functional, and spatial information, amino acid conservation, physicochemical variation, residue mobility, and thermodynamic stability) has been performed for this missense variant. However, the output from this modeling did not meet the statistical confidence thresholds required to predict the impact of this variant on DOCK8 protein function. In summary, the available evidence is currently insufficient to determine the role of this variant in disease. Therefore, it has been classified as a Variant of Uncertain Significance.

Genetic Services Laboratory, University of Chicago
Classification: Uncertain significance. Last evaluated: 2022-08-31. Review status: no assertion criteria provided. Collection method: clinical testing. Allele origin: germline. Affected: no. Not counted in ClinVar's aggregate classification.
Comment: DNA sequence analysis of the DOCK8 gene demonstrated a sequence change, c.250G>A, in exon 3 that results in an amino acid change, p.Gly84Arg. This sequence change does not appear to have been previously described in individuals with DOCK8-related disorders. This sequence change has been described in the gnomAD database with a frequency of 0.0014% (dbSNP rs1318020471). The p.Gly84Arg change affects a moderately conserved amino acid residue located in a domain of the DOCK8 protein that is known to be functional. In-silico pathogenicity prediction tools (SIFT, PolyPhen2, Align GVGD, REVEL) provide contradictory results for the p.Gly84Arg substitution. Due to insufficient evidences and the lack of functional studies, the clinical significance of the p.Gly84Arg change remains unknown at this time.